The following is an entry in ClinVar:

NM_014406.5(CCT8L2):c.822C>T (p.Ser274=)

Gene: CCT8L2 (chaperonin containing TCP1 subunit 8 like 2; minus strand). Cytogenetic location: 22q11.1.
Variant type: single nucleotide variant.
Coding change: c.822C>T on transcript NM_014406.5 (MANE Select); coding-DNA position 822, C replaced by T.
Protein change: p.Ser274=; no amino-acid change (serine 274 retained).
Molecular consequence: synonymous variant.
Genome position (GRCh38, 1-based): chr22:16,591,729, G>A on the plus strand (C>T on the coding strand, the complement: CCT8L2 is on the minus strand). VCF-style: chr22-16591729-G-A. GRCh37 (hg19) VCF-style: chr22-17072619-G-A.
Identifiers: ClinVar variation 2652839 (VCV002652839.24), dbSNP rs145079801, ClinGen allele CA10084992.

ClinVar aggregate classification (germline): Likely benign (1 of 4 stars; one submission).

Allele frequency attached by ClinVar (database versions not stated): 1000 Genomes Project 30x 0.00016; 1000 Genomes Project 0.00020; gnomAD 0.00178; TOPMed 0.00178; ExAC 0.00193; gnomAD exomes 0.00219; ESP Exome Variant Server 0.00246.

Submission:

CeGaT Center for Human Genetics Tuebingen
Classification: Likely benign. Last evaluated: 2022-11-01. Review status: criteria provided, single submitter. Criteria: CeGaT Center For Human Genetics Tuebingen Variant Classification Criteria Version 2. Collection method: clinical testing. Allele origin: germline. Affected: yes. Observed: 1 variant allele.
Comment: CCT8L2: BP4, BP7